The following is an entry in ClinVar:

NM_007126.5(VCP):c.82G>A (p.Val28Ile)

Gene: VCP (valosin containing protein; minus strand). Cytogenetic location: 9p13.3.
Variant type: single nucleotide variant.
Coding change: c.82G>A on transcript NM_007126.5 (MANE Select); coding-DNA position 82, G replaced by A.
Protein change: p.Val28Ile; replaces valine 28 with isoleucine.
Molecular consequence: missense variant. On other transcripts: 5 prime UTR variant (2).
Genome position (GRCh38, 1-based): chr9:35,068,298, C>T on the plus strand (G>A on the coding strand, the complement: VCP is on the minus strand). VCF-style: chr9-35068298-C-T. GRCh37 (hg19) VCF-style: chr9-35068295-C-T.
Other names: c.-54G>A (NM_001354927.2, NM_001354928.2); short protein forms V28I.
Identifiers: ClinVar variation 1427125 (VCV001427125.6), dbSNP rs1480586527, ClinGen allele CA373295071.

ClinVar aggregate classification (germline): Uncertain significance (1 of 4 stars; one submission).

Conditions:
Inclusion body myopathy with Paget disease of bone and frontotemporal dementia. Also called: Inclusion body myopathy with early-onset Paget disease and frontotemporal dementia. Identifiers: Orphanet 52430, MedGen C1833662, MONDO:0000507.
Frontotemporal dementia and/or amyotrophic lateral sclerosis 6 (FTDALS6). Also called: VCP-Related Amyotrophic Lateral Sclerosis/Frontotemporal Dementia; VCP-Related Amyotrophic Lateral Sclerosis. Identifiers: Orphanet 275872, Orphanet 803, MedGen C5436279, MONDO:0013501, OMIM 613954.

Allele frequency attached by ClinVar (database versions not stated): TOPMed below 0.00001.

Submission:

Labcorp Genetics (formerly Invitae), Labcorp
Classification: Uncertain significance for Inclusion body myopathy with Paget disease of bone and frontotemporal dementia; Frontotemporal dementia and/or amyotrophic lateral sclerosis 6. Last evaluated: 2022-10-24. Review status: criteria provided, single submitter. Criteria: Invitae Variant Classification Sherloc (09022015). Collection method: clinical testing. Allele origin: germline.
Comment: In summary, the available evidence is currently insufficient to determine the role of this variant in disease. Therefore, it has been classified as a Variant of Uncertain Significance. Algorithms developed to predict the effect of missense changes on protein structure and function are either unavailable or do not agree on the potential impact of this missense change (SIFT: "Not Available"; PolyPhen-2: "Benign"; Align-GVGD: "Not Available"). ClinVar contains an entry for this variant (Variation ID: 1427125). This variant has not been reported in the literature in individuals affected with VCP-related conditions. This variant is not present in population databases (gnomAD no frequency). This sequence change replaces valine, which is neutral and non-polar, with isoleucine, which is neutral and non-polar, at codon 28 of the VCP protein (p.Val28Ile).